The following is an entry in ClinVar:

NM_152703.5(SAMD9L):c.2926G>A (p.Val976Ile)

Gene: SAMD9L (sterile alpha motif domain containing 9 like; minus strand). Cytogenetic location: 7q21.2.
Variant type: single nucleotide variant.
Coding change: c.2926G>A on transcript NM_152703.5 (MANE Select); coding-DNA position 2926, G replaced by A.
Protein change: p.Val976Ile; replaces valine 976 with isoleucine.
Molecular consequence: missense variant.
Genome position (GRCh38, 1-based): chr7:93,133,046, C>T on the plus strand (G>A on the coding strand, the complement: SAMD9L is on the minus strand). VCF-style: chr7-93133046-C-T. GRCh37 (hg19) VCF-style: chr7-92762359-C-T.
Other names: c.2926G>A, p.Val976Ile (NM_001303496.3, NM_001303497.3, NM_001303498.3 and 5 more transcripts); short protein forms V976I.
Identifiers: ClinVar variation 4863958 (VCV004863958.1).

ClinVar aggregate classification (germline): Uncertain significance (1 of 4 stars; one submission).

Conditions:
Inborn genetic diseases. Identifiers: MedGen C0950123, MeSH D030342.

Submission:

Ambry Genetics
Classification: Uncertain significance for Inborn genetic diseases. Last evaluated: 2026-04-22. Review status: criteria provided, single submitter. Criteria: Ambry Variant Classification Scheme 2023. Collection method: clinical testing. Allele origin: germline.
Comment: The p.V976I variant (also known as c.2926G>A), located in coding exon 1 of the SAMD9L gene, results from a G to A substitution at nucleotide position 2926. The valine at codon 976 is replaced by isoleucine, an amino acid with highly similar properties. This amino acid position is conserved. In addition, this alteration is predicted to be tolerated by in silico analysis. Based on the available evidence, the clinical significance of this variant remains unclear.